The following is an entry in ClinVar:

ClinVar aggregate classification (germline): Conflicting classifications of pathogenicity. Review status: criteria provided, conflicting classifications (1 of 4 stars). 6 submissions from 6 submitters: Uncertain significance (1); Benign (4); Likely benign (1). Last evaluated 2025-11-09.

Conditions:
Emery-Dreifuss muscular dystrophy 5, autosomal dominant (EDMD5). Also called: EMERY-DREIFUSS MUSCULAR DYSTROPHY 5. Identifiers: Orphanet 261, MedGen C2751805, MONDO:0013072, OMIM 612999.

Allele frequency attached by ClinVar (database versions not stated): gnomAD 0.00001 and 0.00019; TOPMed 0.00007; ESP Exome Variant Server 0.00009; gnomAD exomes 0.00116; 1000 Genomes Project 30x 0.00156; ExAC 0.00157; 1000 Genomes Project 0.00180.
gnomAD v4.1: 837 of 1,608,528 alleles (0.052%); highest among the groups gnomAD compares: South Asian, 0.89%; 11 homozygotes.

Submissions (6):

Labcorp Genetics (formerly Invitae), Labcorp
Classification: Benign for Emery-Dreifuss muscular dystrophy 5, autosomal dominant. Last evaluated: 2025-11-09. Review status: criteria provided, single submitter. Criteria: Invitae Variant Classification Sherloc (09022015). Collection method: clinical testing. Allele origin: germline.

Ambry Genetics
Classification: Uncertain significance. Last evaluated: 2025-08-13. Review status: criteria provided, single submitter. Criteria: Ambry Variant Classification Scheme 2023. Collection method: clinical testing. Allele origin: germline.

Blueprint Genetics
Classification: Likely benign. Last evaluated: 2024-10-04. Review status: criteria provided, single submitter. Criteria: ACMG Guidelines, 2015. Collection method: clinical testing. Allele origin: germline.

Athena Diagnostics
Classification: Benign. Last evaluated: 2021-06-07. Review status: criteria provided, single submitter. Criteria: Athena Diagnostics criteria. Collection method: clinical testing. Allele origin: unknown.

Illumina Laboratory Services, Illumina
Classification: Benign for Emery-Dreifuss muscular dystrophy 5, autosomal dominant. Last evaluated: 2018-01-13. Review status: criteria provided, single submitter. Criteria: ICSL Variant Classification Criteria 13 December 2019. Collection method: clinical testing. Allele origin: germline.
Comment: This variant was observed in the ICSL laboratory as part of a predisposition screen in an ostensibly healthy population. It had not been previously curated by ICSL or reported in the Human Gene Mutation Database (HGMD: prior to June 1st, 2018), and was therefore a candidate for classification through an automated scoring system. Utilizing variant allele frequency, disease prevalence and penetrance estimates, and inheritance mode, an automated score was calculated to assess if this variant is too frequent to cause the disease. Based on the score and internal cut-off values, a variant classified as benign is not then subjected to further curation. The score for this variant resulted in a classification of benign for this disease.

Eurofins Ntd Llc (ga)
Classification: Benign. Last evaluated: 2015-09-03. Review status: criteria provided, single submitter. Criteria: EGL Classification Definitions 2015. Collection method: clinical testing. Allele origin: germline. Observed: 1 variant allele, 1 heterozygote.

NM_182914.3(SYNE2):c.5608A>C (p.Ser1870Arg)

Gene: SYNE2 (spectrin repeat containing nuclear envelope protein 2; plus strand). Cytogenetic location: 14q23.2.
Variant type: single nucleotide variant.
Coding change: c.5608A>C on transcript NM_182914.3 (MANE Select); coding-DNA position 5608, A replaced by C.
Protein change: p.Ser1870Arg; replaces serine 1870 with arginine.
Molecular consequence: missense variant.
Genome position (GRCh38, 1-based): chr14:64,022,834, A>C. VCF-style: chr14-64022834-A-C. GRCh37 (hg19) VCF-style: chr14-64489552-A-C.
Other names: c.5608A>C, p.Ser1870Arg (NM_015180.6); short protein forms S1870R.
Identifiers: ClinVar variation 283061 (VCV000283061.19), dbSNP rs368227332, ClinGen allele CA7220506.